The following is an entry in ClinVar:

ClinVar aggregate classification (germline): Uncertain significance (1 of 4 stars; one submission).

Submission:

GeneDx
Classification: Uncertain significance. Last evaluated: 2024-05-20. Review status: criteria provided, single submitter. Criteria: GeneDx Variant Classification Process June 2021. Collection method: clinical testing. Allele origin: germline. Affected: yes.
Comment: Has not been previously published as pathogenic or benign to our knowledge; Frameshift variant predicted to result in protein truncation or nonsense mediated decay in a gene or region of a gene for which loss of function is not a well-established mechanism of disease

NM_020754.4(ARHGAP31):c.146del (p.Gly49fs)

Gene: ARHGAP31 (Rho GTPase activating protein 31; plus strand). Cytogenetic location: 3q13.33.
Variant type: Deletion.
Coding change: c.146del on transcript NM_020754.4 (MANE Select); coding-DNA position 146, one base deleted (G; older notation c.146delG).
Protein change: p.Gly49fs; shifts the reading frame from glycine 49.
Molecular consequence: frameshift variant.
Genome position (GRCh38, 1-based): chr3:119,365,361, G deleted; the last of 2 consecutive G bases (chr3:119,365,360-119,365,361); deleting either gives the same sequence. VCF-style (leftmost placement, unchanged base first): chr3-119365359-CG-C. GRCh37 (hg19) VCF-style: chr3-119084206-CG-C.
Other names: short protein forms G49fs.
Identifiers: ClinVar variation 3381449 (VCV003381449.1).